The following is an entry in ClinVar:

NM_001453.3(FOXC1):c.1370A>G (p.Gln457Arg)

Gene: FOXC1 (forkhead box C1; plus strand). Cytogenetic location: 6p25.3.
Variant type: single nucleotide variant.
Coding change: c.1370A>G on transcript NM_001453.3 (MANE Select); coding-DNA position 1370, A replaced by G.
Protein change: p.Gln457Arg; replaces glutamine 457 with arginine.
Molecular consequence: missense variant.
Genome position (GRCh38, 1-based): chr6:1,611,815, A>G. VCF-style: chr6-1611815-A-G. GRCh37 (hg19) VCF-style: chr6-1612050-A-G.
Other names: short protein forms Q457R.
Identifiers: ClinVar variation 579392 (VCV000579392.9), dbSNP rs908841297, ClinGen allele CA133391380.

ClinVar aggregate classification (germline): Uncertain significance. Review status: criteria provided, multiple submitters, no conflicts (2 of 4 stars). 2 submissions from 2 submitters: Uncertain significance (2). Last evaluated 2023-05-27.

Conditions:
Anterior segment dysgenesis 3 (ASGD3). Also called: IRIDOGONIODYSGENESIS ANOMALY, AUTOSOMAL DOMINANT; Glaucoma iridogoniodysplasia, familial. Identifiers: Orphanet 91483, MedGen C5975707, MONDO:0024456, OMIM 601631.
Axenfeld-Rieger syndrome type 3 (RIEG3). Also called: AXENFELD-RIEGER ANOMALY WITH CARDIAC DEFECTS AND/OR SENSORINEURAL HEARING LOSS. Identifiers: Orphanet 782, MedGen C2678503, MONDO:0011233, OMIM 602482.

Allele frequency attached by ClinVar (database versions not stated): gnomAD exomes 0.00001 and 0.00004; gnomAD 0.00002; TOPMed 0.00004.
gnomAD v4.1: 50 of 1,485,850 alleles (0.0034%); highest among the groups gnomAD compares: Middle Eastern, 0.019%; no homozygotes.

Submissions (2):

Labcorp Genetics (formerly Invitae), Labcorp
Classification: Uncertain significance for Axenfeld-Rieger syndrome type 3. Last evaluated: 2023-05-27. Review status: criteria provided, single submitter. Criteria: Invitae Variant Classification Sherloc (09022015). Collection method: clinical testing. Allele origin: germline.
Comment: The frequency data for this variant in the population databases is considered unreliable, as metrics indicate poor data quality at this position in the gnomAD database. This sequence change replaces glutamine, which is neutral and polar, with arginine, which is basic and polar, at codon 457 of the FOXC1 protein (p.Gln457Arg). This missense change has been observed in individual(s) with clinical features of FOXC1-related conditions (Invitae). In summary, the available evidence is currently insufficient to determine the role of this variant in disease. Therefore, it has been classified as a Variant of Uncertain Significance. An algorithm developed to predict the effect of missense changes on protein structure and function (PolyPhen-2) suggests that this variant is likely to be tolerated. ClinVar contains an entry for this variant (Variation ID: 579392).

Fulgent Genetics
Classification: Uncertain significance for Anterior segment dysgenesis 3; Axenfeld-Rieger syndrome type 3. Last evaluated: 2022-01-07. Review status: criteria provided, single submitter. Criteria: ACMG Guidelines, 2015. Collection method: clinical testing. Allele origin: unknown.